The following is an entry in ClinVar:

ClinVar aggregate classification (germline): Uncertain significance (1 of 4 stars; one submission).

Allele frequency attached by ClinVar (database versions not stated): TOPMed below 0.00001; gnomAD 0.00001.

Submission:

Women's Health and Genetics/Laboratory Corporation of America, LabCorp
Classification: Uncertain significance. Last evaluated: 2024-04-26. Review status: criteria provided, single submitter. Criteria: LabCorp Variant Classification Summary - May 2015. Collection method: clinical testing. Allele origin: germline.
Comment: Variant summary: ATP6AP2 c.508C>A (p.Leu170Ile) results in a conservative amino acid change in the encoded protein sequence. Three of four in-silico tools predict a benign effect of the variant on protein function. The variant was absent in 183391 control chromosomes. The available data on variant occurrences in the general population are insufficient to allow any conclusion about variant significance. To our knowledge, no occurrence of c.508C>A in individuals affected with Syndromic X-Linked Intellectual Disability Hedera Type and no experimental evidence demonstrating its impact on protein function have been reported. No submitters have cited clinical-significance assessments for this variant to ClinVar. Based on the evidence outlined above, the variant was classified as uncertain significance.

NM_005765.3(ATP6AP2):c.508C>A (p.Leu170Ile)

Gene: ATP6AP2 (ATPase H+ transporting accessory protein 2; plus strand). Cytogenetic location: Xp11.4.
Variant type: single nucleotide variant.
Coding change: c.508C>A on transcript NM_005765.3 (MANE Select); coding-DNA position 508, C replaced by A.
Protein change: p.Leu170Ile; replaces leucine 170 with isoleucine.
Molecular consequence: missense variant.
Genome position (GRCh38, 1-based): chrX:40,597,638, C>A. VCF-style: chrX-40597638-C-A. GRCh37 (hg19) VCF-style: chrX-40456890-C-A.
Other names: short protein forms L170I.
Identifiers: ClinVar variation 3251655 (VCV003251655.1), dbSNP rs1279778598.